The following is an entry in ClinVar:

ClinVar aggregate classification (germline): Uncertain significance. Review status: criteria provided, multiple submitters, no conflicts (2 of 4 stars). 2 submissions from 2 submitters: Uncertain significance (2). Last evaluated 2026-02-27.

Conditions:
Familial thoracic aortic aneurysm and aortic dissection (TAAD). Also called: Thoracic aortic aneurysms and dissections. Identifiers: Orphanet 91387, MedGen C4707243, MONDO:0019625.
Congenital contractural arachnodactyly (CCA). Also called: BEALS SYNDROME; Beals-Hecht syndrome; Arthrogryposis, distal, type 9. Identifiers: Orphanet 115, MedGen C0220668, MONDO:0007363, OMIM 121050.

Allele frequency attached by ClinVar (database versions not stated): gnomAD exomes below 0.00001.
gnomAD v4.1: 5 of 1,613,580 alleles (0.00031%); highest among the groups gnomAD compares: Non-Finnish European, 0.00034%; no homozygotes.

Submissions (2):

Ambry Genetics
Classification: Uncertain significance for Familial thoracic aortic aneurysm and aortic dissection. Last evaluated: 2026-02-27. Review status: criteria provided, single submitter. Criteria: Ambry Variant Classification Scheme 2023. Collection method: clinical testing. Allele origin: germline.
Comment: The p.I534V variant (also known as c.1600A>G), located in coding exon 11 of the FBN2 gene, results from an A to G substitution at nucleotide position 1600. The isoleucine at codon 534 is replaced by valine, an amino acid with highly similar properties. This amino acid position is well conserved in available vertebrate species. In addition, the in silico prediction for this alteration is inconclusive. Based on the available evidence, the clinical significance of this variant remains unclear.

Labcorp Genetics (formerly Invitae), Labcorp
Classification: Uncertain significance for Congenital contractural arachnodactyly. Last evaluated: 2025-10-29. Review status: criteria provided, single submitter. Criteria: Invitae Variant Classification Sherloc (09022015). Collection method: clinical testing. Allele origin: germline.
Comment: This sequence change replaces isoleucine, which is neutral and non-polar, with valine, which is neutral and non-polar, at codon 534 of the FBN2 protein (p.Ile534Val). This variant is not present in population databases (gnomAD no frequency). This variant has not been reported in the literature in individuals affected with FBN2-related conditions. ClinVar contains an entry for this variant (Variation ID: 1505896). Invitae Evidence Modeling of protein sequence and biophysical properties (such as structural, functional, and spatial information, amino acid conservation, physicochemical variation, residue mobility, and thermodynamic stability) indicates that this missense variant is not expected to disrupt FBN2 protein function with a negative predictive value of 80%. In summary, the available evidence is currently insufficient to determine the role of this variant in disease. Therefore, it has been classified as a Variant of Uncertain Significance.

NM_001999.4(FBN2):c.1600A>G (p.Ile534Val)

Gene: FBN2 (fibrillin 2; minus strand). Cytogenetic location: 5q23.3.
Variant type: single nucleotide variant.
Coding change: c.1600A>G on transcript NM_001999.4 (MANE Select); coding-DNA position 1600, A replaced by G.
Protein change: p.Ile534Val; replaces isoleucine 534 with valine.
Molecular consequence: missense variant.
Genome position (GRCh38, 1-based): chr5:128,392,021, T>C on the plus strand (A>G on the coding strand, the complement: FBN2 is on the minus strand). VCF-style: chr5-128392021-T-C. GRCh37 (hg19) VCF-style: chr5-127727714-T-C.
Other names: c.1600A>G (NM_001999.3); short protein forms I534V.
Identifiers: ClinVar variation 1505896 (VCV001505896.7), dbSNP rs1752527949, ClinGen allele CA360747213.
Genomic context (GRCh38, chr5:128,392,021, plus strand): 5'-GTAATCTAATAGCTACTAAAAAAACTAAGAAGGATTATTAAAGAATCACAAACTTACCTA[T>C]ACAATCTCCATTTGCATCCTGCTTATAACCCATGTTGCATTCACATCGGTAGCTTGAGAC-3'
Protein context (NP_001990.2, residues 524-544): GYKQDANGDC[Ile534Val]DVDECTSNPC